The following is an entry in ClinVar:

NM_000038.6(APC):c.8140C>A (p.Arg2714Ser)

Gene: APC (APC regulator of Wnt signaling pathway; plus strand). Cytogenetic location: 5q22.2.
Variant type: single nucleotide variant.
Coding change: c.8140C>A on transcript NM_000038.6 (MANE Select); coding-DNA position 8140, C replaced by A.
Protein change: p.Arg2714Ser; replaces arginine 2714 with serine.
Molecular consequence: missense variant.
Genome position (GRCh38, 1-based): chr5:112,843,734, C>A. VCF-style: chr5-112843734-C-A. GRCh37 (hg19) VCF-style: chr5-112179431-C-A.
Other names: c.8140C>A, p.Arg2714Ser (NM_001127510.3, NM_001354895.2); c.8086C>A, p.Arg2696Ser (NM_001127511.3); c.8194C>A, p.Arg2732Ser (NM_001354896.2); c.8170C>A, p.Arg2724Ser (NM_001354897.2); c.8065C>A, p.Arg2689Ser (NM_001354898.2); c.8056C>A, p.Arg2686Ser (NM_001354899.2); c.8017C>A, p.Arg2673Ser (NM_001354900.2); c.7963C>A, p.Arg2655Ser (NM_001354901.2); and 5 more; short protein forms R2696S, R2714S, R2554S, R2655S, R2673S, R2686S, R2588S, R2689S.
Identifiers: ClinVar variation 219678 (VCV000219678.12), dbSNP rs864622205, ClinGen allele CA349337.

ClinVar aggregate classification (germline): Uncertain significance (1 of 4 stars; one submission).

Conditions:
Familial adenomatous polyposis 1 (FAP1). Also called: FAMILIAL ADENOMATOUS POLYPOSIS 1, ATTENUATED; POLYPOSIS, ADENOMATOUS INTESTINAL. Identifiers: MedGen C2713442, MONDO:0021056, OMIM 175100. Disease mechanism: loss of function.

gnomAD v4.1: 2 of 1,614,038 alleles (0.00012%); highest among the groups gnomAD compares: Non-Finnish European, 0.00017%; no homozygotes.

Submission:

Labcorp Genetics (formerly Invitae), Labcorp
Classification: Uncertain significance for Familial adenomatous polyposis 1. Last evaluated: 2024-03-11. Review status: criteria provided, single submitter. Criteria: Invitae Variant Classification Sherloc (09022015). Collection method: clinical testing. Allele origin: germline.
Comment: This sequence change replaces arginine, which is basic and polar, with serine, which is neutral and polar, at codon 2714 of the APC protein (p.Arg2714Ser). This variant is not present in population databases (gnomAD no frequency). This variant has not been reported in the literature in individuals affected with APC-related conditions. ClinVar contains an entry for this variant (Variation ID: 219678). Advanced modeling of protein sequence and biophysical properties (such as structural, functional, and spatial information, amino acid conservation, physicochemical variation, residue mobility, and thermodynamic stability) performed at Invitae indicates that this missense variant is not expected to disrupt APC protein function with a negative predictive value of 95%. In summary, the available evidence is currently insufficient to determine the role of this variant in disease. Therefore, it has been classified as a Variant of Uncertain Significance.